The following is an entry in ClinVar:

ClinVar aggregate classification (germline): Conflicting classifications of pathogenicity. Review status: criteria provided, conflicting classifications (1 of 4 stars). 3 submissions from 3 submitters: Uncertain significance (1); Likely benign (1). 1 of the submissions does not count toward it. Last evaluated 2026-05-05.

Conditions:
Rubinstein-Taybi syndrome due to EP300 haploinsufficiency. Also called: RUBINSTEIN-TAYBI SYNDROME 2; EP300-Related Rubinstein-Taybi Syndrome. Identifiers: Orphanet 353284, Orphanet 783, MedGen C3150941, MONDO:0013364, OMIM 613684.
EP300-related disorder. Also called: EP300-related disorders; EP300-related condition.

Allele frequency attached by ClinVar (database versions not stated): TOPMed 0.00001; ExAC 0.00002; gnomAD exomes 0.00001.
gnomAD v4.1: 32 of 1,613,708 alleles (0.002%); highest among the groups gnomAD compares: African/African-American, 0.0027%; no homozygotes.

Submissions (3):

PreventionGenetics, part of Exact Sciences
Classification: Uncertain significance for EP300-related condition. Last evaluated: 2026-05-05. Review status: criteria provided, single submitter. Criteria: ACMG Guidelines, 2015. Collection method: clinical testing. Allele origin: germline.
Comment: The EP300 c.2279A>G variant is predicted to result in the amino acid substitution p.Asn760Ser. To our knowledge, this variant has not been reported in the literature. This variant is reported in 0.0031% of alleles in individuals of European (Non-Finnish) descent in gnomAD. At this time, the clinical significance of this variant is uncertain due to the absence of conclusive functional and genetic evidence.

Labcorp Genetics (formerly Invitae), Labcorp
Classification: Likely benign for Rubinstein-Taybi syndrome due to EP300 haploinsufficiency. Last evaluated: 2023-02-16. Review status: criteria provided, single submitter. Criteria: Invitae Variant Classification Sherloc (09022015). Collection method: clinical testing. Allele origin: germline.

Service de Génétique Moléculaire, Hôpital Robert Debré
Classification: Likely benign for Rubinstein-Taybi syndrome due to EP300 haploinsufficiency. Review status: no assertion criteria provided. Collection method: clinical testing. Allele origin: unknown. Affected: yes. Not counted in ClinVar's aggregate classification.

NM_001429.4(EP300):c.2279A>G (p.Asn760Ser)

Gene: EP300 (EP300 lysine acetyltransferase; plus strand). Cytogenetic location: 22q13.2.
Variant type: single nucleotide variant.
Coding change: c.2279A>G on transcript NM_001429.4 (MANE Select); coding-DNA position 2279, A replaced by G.
Protein change: p.Asn760Ser; replaces asparagine 760 with serine.
Molecular consequence: missense variant.
Genome position (GRCh38, 1-based): chr22:41,149,075, A>G. VCF-style: chr22-41149075-A-G. GRCh37 (hg19) VCF-style: chr22-41545079-A-G.
Other names: c.2279A>G (NM_001429.3); c.2201A>G, p.Asn734Ser (NM_001362843.2); short protein forms N734S, N760S.
Identifiers: ClinVar variation 977890 (VCV000977890.9), dbSNP rs374502005, ClinGen allele CA10252825.